The following is an entry in ClinVar:

NM_058172.6(ANTXR2):c.637-11_637-10del

Gene: ANTXR2 (ANTXR cell adhesion molecule 2; minus strand). Cytogenetic location: 4q21.21.
Variant type: Deletion.
Coding change: c.637-11_637-10del on transcript NM_058172.6 (MANE Select); 11 bases into the intron before coding-DNA position 637 through 10 bases into the intron before coding-DNA position 637, 2 bases deleted (TT; older notation c.637-11_637-10delTT).
Molecular consequence: intron variant.
Genome position (GRCh38, 1-based): chr4:80,036,042-80,036,043, AA deleted on the plus strand (TT on the coding strand, the reverse complement: ANTXR2 is on the minus strand); deleting any 2 consecutive bases within chr4:80,036,042-80,036,053 gives the same sequence; the c. name uses the placement nearest the transcript's 3' end. VCF-style (leftmost placement, unchanged base first): chr4-80036041-GAA-G. GRCh37 (hg19) VCF-style: chr4-80957195-GAA-G.
Other names: c.406-11_406-10del (NM_001286780.2, NM_001286781.2); c.637-11_637-10del (NM_001145794.2).
Identifiers: ClinVar variation 3035448 (VCV003035448.2), dbSNP rs373672335, ClinGen allele CA552736318.

ClinVar aggregate classification (germline): Likely benign (0 of 4 stars; one submission).

Conditions:
ANTXR2-related disorder. Also called: ANTXR2-related condition.

Submission:

PreventionGenetics, part of Exact Sciences
Classification: Likely benign for ANTXR2-related condition. Last evaluated: 2019-08-20. Review status: no assertion criteria provided. Collection method: clinical testing. Allele origin: germline.
Comment: This variant is classified as likely benign based on ACMG/AMP sequence variant interpretation guidelines (Richards et al. 2015 PMID: 25741868, with internal and published modifications).